The following is an entry in ClinVar:

ClinVar aggregate classification (germline): Uncertain significance (1 of 4 stars; one submission).

Allele frequency attached by ClinVar (database versions not stated): gnomAD 0.00001 and 0.00002; TOPMed 0.00006.
gnomAD v4.1: 10 of 1,612,596 alleles (0.00062%); highest among the groups gnomAD compares: Admixed American, 0.0067%; no homozygotes.

Submission:

Labcorp Genetics (formerly Invitae), Labcorp
Classification: Uncertain significance. Last evaluated: 2023-12-06. Review status: criteria provided, single submitter. Criteria: Invitae Variant Classification Sherloc (09022015). Collection method: clinical testing. Allele origin: germline.
Comment: This sequence change replaces lysine, which is basic and polar, with methionine, which is neutral and non-polar, at codon 35 of the MAPKAPK3 protein (p.Lys35Met). This variant is present in population databases (rs368714447, gnomAD 0.01%). This variant has not been reported in the literature in individuals affected with MAPKAPK3-related conditions. ClinVar contains an entry for this variant (Variation ID: 1054911). An algorithm developed to predict the effect of missense changes on protein structure and function (PolyPhen-2) suggests that this variant is likely to be disruptive. In summary, the available evidence is currently insufficient to determine the role of this variant in disease. Therefore, it has been classified as a Variant of Uncertain Significance.

NM_001243925.2(MAPKAPK3):c.104A>T (p.Lys35Met)

Gene: MAPKAPK3 (MAPK activated protein kinase 3; plus strand). Cytogenetic location: 3p21.2.
Variant type: single nucleotide variant.
Coding change: c.104A>T on transcript NM_001243925.2 (MANE Select); coding-DNA position 104, A replaced by T.
Protein change: p.Lys35Met; replaces lysine 35 with methionine.
Molecular consequence: missense variant.
Genome position (GRCh38, 1-based): chr3:50,617,669, A>T. VCF-style: chr3-50617669-A-T. GRCh37 (hg19) VCF-style: chr3-50655100-A-T.
Other names: c.104A>T, p.Lys35Met (NM_001243926.2, NM_004635.5); short protein forms K35M.
Identifiers: ClinVar variation 1054911 (VCV001054911.5), dbSNP rs368714447, ClinGen allele CA2420159.